The following is an entry in ClinVar:

ClinVar aggregate classification (germline): Conflicting classifications of pathogenicity. Review status: criteria provided, conflicting classifications (1 of 4 stars). 5 submissions from 5 submitters: Uncertain significance (3); Likely benign (2). Last evaluated 2026-01-28.

Conditions:
SCN11A-related disorder. Also called: SCN11A-related condition.
Inborn genetic diseases. Identifiers: MedGen C0950123, MeSH D030342.
Hereditary sensory and autonomic neuropathy type 7. Also called: Neuropathy, hereditary sensory and autonomic, type VII; HSAN VII. Identifiers: Orphanet 391397, MedGen C3809882, MONDO:0014244, OMIM 615548.
Familial episodic pain syndrome with predominantly lower limb involvement. Also called: Episodic pain syndrome, familial, 3. Identifiers: Orphanet 391384, Orphanet 391392, MedGen C3809899, MONDO:0014247, OMIM 615552.

Allele frequency attached by ClinVar (database versions not stated): gnomAD 0.00027 and 0.00028; TOPMed 0.00031; 1000 Genomes Project 30x 0.00047; 1000 Genomes Project 0.00060; gnomAD exomes 0.00018; ESP Exome Variant Server 0.00023; ExAC 0.00026.
gnomAD v4.1: 325 of 1,614,152 alleles (0.02%); highest among the groups gnomAD compares: Admixed American, 0.065%; 1 homozygote.

Submissions (5):

Labcorp Genetics (formerly Invitae), Labcorp
Classification: Uncertain significance for Familial episodic pain syndrome with predominantly lower limb involvement; Hereditary sensory and autonomic neuropathy type 7. Last evaluated: 2026-01-28. Review status: criteria provided, single submitter. Criteria: Invitae Variant Classification Sherloc (09022015). Collection method: clinical testing. Allele origin: germline.
Comment: This sequence change replaces arginine, which is basic and polar, with histidine, which is basic and polar, at codon 1658 of the SCN11A protein (p.Arg1658His). This variant is present in population databases (rs141457896, gnomAD 0.03%), and has an allele count higher than expected for a pathogenic variant. This variant has not been reported in the literature in individuals affected with SCN11A-related conditions. ClinVar contains an entry for this variant (Variation ID: 541569). Invitae Evidence Modeling of protein sequence and biophysical properties (such as structural, functional, and spatial information, amino acid conservation, physicochemical variation, residue mobility, and thermodynamic stability) indicates that this missense variant is expected to disrupt SCN11A protein function with a positive predictive value of 80%. In summary, the available evidence is currently insufficient to determine the role of this variant in disease. Therefore, it has been classified as a Variant of Uncertain Significance.

PreventionGenetics, part of Exact Sciences
Classification: Likely benign for SCN11A-related condition. Last evaluated: 2025-10-15. Review status: criteria provided, single submitter. Criteria: ACMG Guidelines, 2015. Collection method: clinical testing. Allele origin: germline.
Comment: This variant is classified as likely benign based on ACMG/AMP sequence variant interpretation guidelines (Richards et al. 2015 PMID: 25741868, with internal and published modifications).

Mayo Clinic Laboratories, Mayo Clinic
Classification: Uncertain significance. Last evaluated: 2024-08-26. Review status: criteria provided, single submitter. Criteria: ACMG Guidelines, 2015. Collection method: clinical testing. Allele origin: germline. Observed: 1 variant allele.
Comment: BS2

GeneDx
Classification: Uncertain significance. Last evaluated: 2022-03-10. Review status: criteria provided, single submitter. Criteria: GeneDx Variant Classification Process June 2021. Collection method: clinical testing. Allele origin: germline. Affected: yes.
Comment: In silico analysis supports that this missense variant has a deleterious effect on protein structure/function; Has not been previously published as pathogenic or benign to our knowledge

Ambry Genetics
Classification: Likely benign for Inborn genetic diseases. Last evaluated: 2021-07-09. Review status: criteria provided, single submitter. Criteria: Ambry Variant Classification Scheme 2023. Collection method: clinical testing. Allele origin: germline.

NM_001349253.2(SCN11A):c.4973G>A (p.Arg1658His)

Gene: SCN11A (sodium voltage-gated channel alpha subunit 11; minus strand). Cytogenetic location: 3p22.2.
Variant type: single nucleotide variant.
Coding change: c.4973G>A on transcript NM_001349253.2 (MANE Select); coding-DNA position 4973, G replaced by A.
Protein change: p.Arg1658His; replaces arginine 1658 with histidine.
Molecular consequence: missense variant.
Genome position (GRCh38, 1-based): chr3:38,847,097, C>T on the plus strand (G>A on the coding strand, the complement: SCN11A is on the minus strand). VCF-style: chr3-38847097-C-T. GRCh37 (hg19) VCF-style: chr3-38888588-C-T.
Other names: p.Arg1658His; c.4973G>A, p.Arg1658His (NM_014139.3); short protein forms R1658H.
Identifiers: ClinVar variation 541569 (VCV000541569.14), dbSNP rs141457896, ClinGen allele CA2321428.